The following is an entry in ClinVar:

NM_001987.5(ETV6):c.974C>T (p.Pro325Leu)

Gene: ETV6 (ETS variant transcription factor 6; plus strand). Cytogenetic location: 12p13.2.
Variant type: single nucleotide variant.
Coding change: c.974C>T on transcript NM_001987.5 (MANE Select); coding-DNA position 974, C replaced by T.
Protein change: p.Pro325Leu; replaces proline 325 with leucine.
Molecular consequence: missense variant.
Genome position (GRCh38, 1-based): chr12:11,869,934, C>T. VCF-style: chr12-11869934-C-T. GRCh37 (hg19) VCF-style: chr12-12022868-C-T.
Other names: c.971C>T, p.Pro324Leu (NM_001413913.1); c.947C>T, p.Pro316Leu (NM_001413914.1); c.710C>T, p.Pro237Leu (NM_001413915.1); c.974C>T, p.Pro325Leu (NM_001413916.1, NM_001413917.1); short protein forms P237L, P316L, P324L, P325L.
Identifiers: ClinVar variation 1801124 (VCV001801124.2), dbSNP rs2498083370, ClinGen allele CA384044363.

ClinVar aggregate classification (germline): Uncertain significance. Review status: criteria provided, multiple submitters, no conflicts (2 of 4 stars). 2 submissions from 2 submitters: Uncertain significance (2). Last evaluated 2025-11-17.

Conditions:
Inborn genetic diseases. Identifiers: MedGen C0950123, MeSH D030342.

Submissions (2):

Ambry Genetics
Classification: Uncertain significance for Inborn genetic diseases. Last evaluated: 2025-11-17. Review status: criteria provided, single submitter. Criteria: Ambry Variant Classification Scheme 2023. Collection method: clinical testing. Allele origin: germline.
Comment: The p.P325L variant (also known as c.974C>T), located in coding exon 5 of the ETV6 gene, results from a C to T substitution at nucleotide position 974. The proline at codon 325 is replaced by leucine, an amino acid with similar properties. This amino acid position is conserved. In addition, this alteration is predicted to be tolerated by in silico analysis. Based on the available evidence, the clinical significance of this variant remains unclear.

GeneDx
Classification: Uncertain significance. Last evaluated: 2022-05-23. Review status: criteria provided, single submitter. Criteria: GeneDx Variant Classification Process June 2021. Collection method: clinical testing. Allele origin: germline. Affected: yes.
Comment: Not observed at significant frequency in large population cohorts (gnomAD); In silico analysis supports that this missense variant has a deleterious effect on protein structure/function; Has not been previously published as pathogenic or benign to our knowledge